The following is an entry in ClinVar:

ClinVar aggregate classification (germline): Uncertain significance (1 of 4 stars; one submission).

Submission:

Ambry Genetics
Classification: Uncertain significance. Last evaluated: 2023-09-10. Review status: criteria provided, single submitter. Criteria: Ambry Variant Classification Scheme 2023. Collection method: clinical testing. Allele origin: germline.
Comment: The p.D221Y variant (also known as c.661G>T), located in coding exon 1 of the TERF2IP gene, results from a G to T substitution at nucleotide position 661. The aspartic acid at codon 221 is replaced by tyrosine, an amino acid with highly dissimilar properties. This amino acid position is conserved. In addition, this alteration is predicted to be tolerated by in silico analysis. Since supporting evidence is limited at this time, the clinical significance of this alteration remains unclear.

NM_018975.4(TERF2IP):c.661G>T (p.Asp221Tyr)

Gene: TERF2IP (TERF2 interacting protein; plus strand). Cytogenetic location: 16q23.1.
Variant type: single nucleotide variant.
Coding change: c.661G>T on transcript NM_018975.4 (MANE Select); coding-DNA position 661, G replaced by T.
Protein change: p.Asp221Tyr; replaces aspartic acid 221 with tyrosine.
Molecular consequence: missense variant. On other transcripts: non-coding transcript variant (1).
Genome position (GRCh38, 1-based): chr16:75,648,543, G>T. VCF-style: chr16-75648543-G-T. GRCh37 (hg19) VCF-style: chr16-75682441-G-T.
Other names: short protein forms D221Y.
Identifiers: ClinVar variation 2625600 (VCV002625600.2), dbSNP rs2507075474, ClinGen allele CA396818392.